The following is an entry in ClinVar:

ClinVar aggregate classification (germline): Conflicting classifications of pathogenicity. Review status: criteria provided, conflicting classifications (1 of 4 stars). 3 submissions from 3 submitters: Uncertain significance (2); Likely benign (1). Last evaluated 2025-06-16.

Conditions:
Familial sleep-related hypermotor epilepsy. Also called: Autosomal Dominant Sleep-Related Hypermotor (Hyperkinetic) Epilepsy. Identifiers: Orphanet 98784, MedGen C3696898, MONDO:0000030.
Inborn genetic diseases. Identifiers: MedGen C0950123, MeSH D030342.

Allele frequency attached by ClinVar (database versions not stated): gnomAD exomes below 0.00001; gnomAD 0.00001; TOPMed 0.00003.
gnomAD v4.1: 8 of 1,603,136 alleles (0.0005%); highest among the groups gnomAD compares: African/African-American, 0.0014%; no homozygotes.

Submissions (3):

Labcorp Genetics (formerly Invitae), Labcorp
Classification: Likely benign. Last evaluated: 2025-06-16. Review status: criteria provided, single submitter. Criteria: Invitae Variant Classification Sherloc (09022015). Collection method: clinical testing. Allele origin: germline.

Ambry Genetics
Classification: Uncertain significance for Inborn genetic diseases. Last evaluated: 2022-08-26. Review status: criteria provided, single submitter. Criteria: Ambry Variant Classification Scheme 2023. Collection method: clinical testing. Allele origin: germline.
Comment: The c.311A>C (p.D104A) alteration is located in exon 4 (coding exon 4) of the CHRNA4 gene. This alteration results from an A to C substitution at nucleotide position 311, causing the aspartic acid (D) at amino acid position 104 to be replaced by an alanine (A). Based on data from gnomAD, the C allele has an overall frequency of <0.001% (1/249224) total alleles studied. The highest observed frequency was 0.001% (1/112154) of European (non-Finnish) alleles. This amino acid position is not well conserved in available vertebrate species. This alteration is predicted to be tolerated by in silico analysis. Based on insufficient or conflicting evidence, the clinical significance of this alteration remains unclear.

GeneDx
Classification: Uncertain significance. Last evaluated: 2020-11-19. Review status: criteria provided, single submitter. Criteria: GeneDx Variant Classification Process June 2021. Collection method: clinical testing. Allele origin: germline. Affected: yes.
Comment: Not observed at a significant frequency in large population cohorts (Lek et al., 2016); In silico analysis supports that this missense variant has a deleterious effect on protein structure/function; Has not been previously published as pathogenic or benign to our knowledge

NM_000744.7(CHRNA4):c.311A>C (p.Asp104Ala)

Genes: CHRNA4 (cholinergic receptor nicotinic alpha 4 subunit; minus strand), LOC126863087 (P300/CBP strongly-dependent group 1 enhancer GRCh37_chr20:61986832-61988031; plus strand). Cytogenetic location: 20q13.33.
Variant type: single nucleotide variant.
Coding change: c.311A>C on transcript NM_000744.7 (MANE Select); coding-DNA position 311, A replaced by C.
Protein change: p.Asp104Ala; replaces aspartic acid 104 with alanine.
Molecular consequence: missense variant. On other transcripts: 5 prime UTR variant (1), non-coding transcript variant (1).
Genome position (GRCh38, 1-based): chr20:63,356,047, T>G on the plus strand (A>C on the coding strand, the complement: CHRNA4 is on the minus strand). VCF-style: chr20-63356047-T-G. GRCh37 (hg19) VCF-style: chr20-61987399-T-G.
Other names: c.-236A>C (NM_001256573.2); short protein forms D104A.
Identifiers: ClinVar variation 937064 (VCV000937064.14), dbSNP rs202042826, ClinGen allele CA317441862.